The following is an entry in ClinVar:

NM_020207.7(ERCC6L2):c.1461A>T (p.Pro487=)

Gene: ERCC6L2 (ERCC excision repair 6 like 2; plus strand). Cytogenetic location: 9q22.32.
Variant type: single nucleotide variant.
Coding change: c.1461A>T on transcript NM_020207.7 (MANE Select); coding-DNA position 1461, A replaced by T.
Protein change: p.Pro487=; no amino-acid change (proline 487 retained).
Molecular consequence: synonymous variant. On other transcripts: non-coding transcript variant (1).
Genome position (GRCh38, 1-based): chr9:95,923,307, A>T. VCF-style: chr9-95923307-A-T. GRCh37 (hg19) VCF-style: chr9-98685589-A-T.
Other names: c.1461A>T, p.Pro487= (NM_001010895.4, NM_001375291.1, NM_001375292.1 and 2 more transcripts).
Identifiers: ClinVar variation 1640464 (VCV001640464.26), dbSNP rs1331300615, ClinGen allele CA466132286.

ClinVar aggregate classification (germline): Likely benign. Review status: criteria provided, multiple submitters, no conflicts (2 of 4 stars). 3 submissions from 3 submitters: Likely benign (3). Last evaluated 2025-12-08.

Conditions:
Inborn genetic diseases. Identifiers: MedGen C0950123, MeSH D030342.

Allele frequency attached by ClinVar (database versions not stated): gnomAD 0.00001; gnomAD exomes 0.00001.

Submissions (3):

Labcorp Genetics (formerly Invitae), Labcorp
Classification: Likely benign. Last evaluated: 2025-12-08. Review status: criteria provided, single submitter. Criteria: Invitae Variant Classification Sherloc (09022015). Collection method: clinical testing. Allele origin: germline.

Ambry Genetics
Classification: Likely benign for Inborn genetic diseases. Last evaluated: 2024-12-03. Review status: criteria provided, single submitter. Criteria: Ambry Variant Classification Scheme 2023. Collection method: clinical testing. Allele origin: germline.

CeGaT Center for Human Genetics Tuebingen
Classification: Likely benign. Last evaluated: 2024-07-01. Review status: criteria provided, single submitter. Criteria: CeGaT Center For Human Genetics Tuebingen Variant Classification Criteria Version 2. Collection method: clinical testing. Allele origin: germline. Affected: yes. Observed: 1 variant allele.
Comment: ERCC6L2: BP4, BP7